The following is an entry in ClinVar:

ClinVar aggregate classification (germline): Uncertain significance (1 of 4 stars; one submission).

Conditions:
Hypertrophic cardiomyopathy. Also called: HYPERTROPHIC MYOCARDIOPATHY. Identifiers: Orphanet 217569, MedGen C0007194, MeSH D002312, MONDO:0005045, HP:0001639.

Submission:

Labcorp Genetics (formerly Invitae), Labcorp
Classification: Uncertain significance for Hypertrophic cardiomyopathy. Last evaluated: 2021-09-01. Review status: criteria provided, single submitter. Criteria: Invitae Variant Classification Sherloc (09022015). Collection method: clinical testing. Allele origin: germline.
Comment: In summary, the available evidence is currently insufficient to determine the role of this variant in disease. Therefore, it has been classified as a Variant of Uncertain Significance. Algorithms developed to predict the effect of missense changes on protein structure and function are either unavailable or do not agree on the potential impact of this missense change (SIFT: "Deleterious"; PolyPhen-2: "Benign"; Align-GVGD: "Class C0"). This variant has not been reported in the literature in individuals affected with TNNI3-related conditions. This variant is not present in population databases (ExAC no frequency). This sequence change replaces glutamic acid with glutamine at codon 179 of the TNNI3 protein (p.Glu179Gln). The glutamic acid residue is highly conserved and there is a small physicochemical difference between glutamic acid and glutamine.

NM_000363.5(TNNI3):c.535G>C (p.Glu179Gln)

Gene: TNNI3 (troponin I3, cardiac type; minus strand). Cytogenetic location: 19q13.42.
Variant type: single nucleotide variant.
Coding change: c.535G>C on transcript NM_000363.5 (MANE Select); coding-DNA position 535, G replaced by C.
Protein change: p.Glu179Gln; replaces glutamic acid 179 with glutamine.
Molecular consequence: missense variant.
Genome position (GRCh38, 1-based): chr19:55,154,044, C>G on the plus strand (G>C on the coding strand, the complement: TNNI3 is on the minus strand). VCF-style: chr19-55154044-C-G. GRCh37 (hg19) VCF-style: chr19-55665412-C-G.
Other names: short protein forms E179Q.
Identifiers: ClinVar variation 1502672 (VCV001502672.6), dbSNP rs2147283173, ClinGen allele CA407440241.